The following is an entry in ClinVar:

ClinVar aggregate classification (germline): Uncertain significance (1 of 4 stars; one submission).

Conditions:
Hereditary pancreatitis (PCTT). Also called: Hereditary chronic pancreatitis; PRSS1-Related Hereditary Pancreatitis. Identifiers: Orphanet 676, MedGen C0238339, MONDO:0008185, OMIM 167800.

Submission:

Ambry Genetics
Classification: Uncertain significance for Hereditary pancreatitis. Last evaluated: 2021-12-20. Review status: criteria provided, single submitter. Criteria: Ambry Variant Classification Scheme 2023. Collection method: clinical testing. Allele origin: germline.
Comment: The p.N89S variant (also known as c.266A>G), located in coding exon 3 of the PRSS1 gene, results from an A to G substitution at nucleotide position 266. The asparagine at codon 89 is replaced by serine, an amino acid with highly similar properties. This amino acid position is conserved. In addition, this alteration is predicted to be tolerated by in silico analysis. Since supporting evidence is limited at this time, the clinical significance of this alteration remains unclear.

NM_002769.5(PRSS1):c.266A>G (p.Asn89Ser)

Genes: PRSS1 (serine protease 1; plus strand), TRB (T cell receptor beta locus; plus strand). Cytogenetic location: 7q34.
Variant type: single nucleotide variant.
Coding change: c.266A>G on transcript NM_002769.5 (MANE Select); coding-DNA position 266, A replaced by G.
Protein change: p.Asn89Ser; replaces asparagine 89 with serine.
Molecular consequence: missense variant. On other transcripts: non-coding transcript variant (4).
Genome position (GRCh38, 1-based): chr7:142,751,839, A>G. VCF-style: chr7-142751839-A-G. GRCh37 (hg19) VCF-style: chr7-142459690-A-G.
Other names: short protein forms N89S.
Identifiers: ClinVar variation 1794530 (VCV001794530.2), dbSNP rs1446407497, ClinGen allele CA369608588.